The following is an entry in ClinVar:

ClinVar aggregate classification (germline): Likely benign. Review status: criteria provided, multiple submitters, no conflicts (2 of 4 stars). 3 submissions from 3 submitters: Likely benign (2). 1 of the submissions does not count toward it. Last evaluated 2025-12-15.

Conditions:
IFT140-related disorder. Also called: IFT140-related condition.
Saldino-Mainzer syndrome (SRTD9). Also called: CONORENAL SYNDROME; SHORT-RIB THORACIC DYSPLASIA 9 WITHOUT POLYDACTYLY; Renal dysplasia, retinal pigmentary dystrophy, cerebellar ataxia and skeletal dysplasia; short-rib thoracic dysplasia 9 with or without polydactyly. Identifiers: Orphanet 140969, MedGen C1849437, MONDO:0009964, OMIM 266920.

Allele frequency attached by ClinVar (database versions not stated): ExAC 0.00001; ESP Exome Variant Server 0.00008; gnomAD 0.00009; TOPMed 0.00017; 1000 Genomes Project 0.00020; 1000 Genomes Project 30x 0.00031.
gnomAD v4.1: 27 of 1,609,388 alleles (0.0017%); highest among the groups gnomAD compares: African/African-American, 0.017%; no homozygotes.

Submissions (3):

Labcorp Genetics (formerly Invitae), Labcorp
Classification: Likely benign for Saldino-Mainzer syndrome. Last evaluated: 2025-12-15. Review status: criteria provided, single submitter. Criteria: Invitae Variant Classification Sherloc (09022015). Collection method: clinical testing. Allele origin: germline.

Blueprint Genetics
Classification: Likely benign. Last evaluated: 2024-09-09. Review status: criteria provided, single submitter. Criteria: ACMG Guidelines, 2015. Collection method: clinical testing. Allele origin: germline.

PreventionGenetics, part of Exact Sciences
Classification: Likely benign for IFT140-related condition. Last evaluated: 2022-05-27. Review status: no assertion criteria provided. Collection method: clinical testing. Allele origin: germline. Not counted in ClinVar's aggregate classification.
Comment: This variant is classified as likely benign based on ACMG/AMP sequence variant interpretation guidelines (Richards et al. 2015 PMID: 25741868, with internal and published modifications).

NM_014714.4(IFT140):c.4260G>C (p.Val1420=)

Gene: IFT140 (intraflagellar transport 140; minus strand). Cytogenetic location: 16p13.3.
Variant type: single nucleotide variant.
Coding change: c.4260G>C on transcript NM_014714.4 (MANE Select); coding-DNA position 4260, G replaced by C.
Protein change: p.Val1420=; no amino-acid change (valine 1420 retained).
Molecular consequence: synonymous variant.
Genome position (GRCh38, 1-based): chr16:1,511,073, C>G on the plus strand (G>C on the coding strand, the complement: IFT140 is on the minus strand). VCF-style: chr16-1511073-C-G. GRCh37 (hg19) VCF-style: chr16-1561074-C-G.
Identifiers: ClinVar variation 775020 (VCV000775020.14), dbSNP rs200228341, ClinGen allele CA7812810.